The following is an entry in ClinVar:

NM_198525.3(KIF7):c.2317G>C (p.Glu773Gln)

Gene: KIF7 (kinesin family member 7; minus strand). Cytogenetic location: 15q26.1.
Variant type: single nucleotide variant.
Coding change: c.2317G>C on transcript NM_198525.3 (MANE Select); coding-DNA position 2317, G replaced by C.
Protein change: p.Glu773Gln; replaces glutamic acid 773 with glutamine.
Molecular consequence: missense variant.
Genome position (GRCh38, 1-based): chr15:89,642,280, C>G on the plus strand (G>C on the coding strand, the complement: KIF7 is on the minus strand). VCF-style: chr15-89642280-C-G. GRCh37 (hg19) VCF-style: chr15-90185511-C-G.
Other names: short protein forms E773Q.
Identifiers: ClinVar variation 1463784 (VCV001463784.6), dbSNP rs1596074353, ClinGen allele CA393761580.
Genomic context (GRCh38, chr15:89,642,280, plus strand): 5'-CCGCAGCGACCCTCCTGCGGAACTCCTGGAGCCGAGACCGCTCGCCAGCATCCTGGAGCT[C>G]CTTGCCCTCGAGCTCCCGCAGCTGCCTCTGGCCTTCACTCAGCTCGGCCCGCACCTGCTC-3'
Protein context (NP_940927.2, residues 763-783): QRQLRELEGK[Glu773Gln]LQDAGERSRL

ClinVar aggregate classification (germline): Uncertain significance (1 of 4 stars; one submission).

Conditions:
Acrocallosal syndrome (ACLS). Also called: HALLUX DUPLICATION, POSTAXIAL POLYDACTYLY, AND ABSENCE OF CORPUS CALLOSUM; Schinzel syndrome 1; Absence of corpus callosum with unusual facial appearance, mental deficiency, duplication of the halluces and polydactyly. Identifiers: Orphanet 36, MedGen C0796147, MONDO:0008708, OMIM 200990.

Submission:

Labcorp Genetics (formerly Invitae), Labcorp
Classification: Uncertain significance for Acrocallosal syndrome. Last evaluated: 2022-08-16. Review status: criteria provided, single submitter. Criteria: Invitae Variant Classification Sherloc (09022015). Collection method: clinical testing. Allele origin: germline.
Comment: This sequence change replaces glutamic acid, which is acidic and polar, with glutamine, which is neutral and polar, at codon 773 of the KIF7 protein (p.Glu773Gln). This variant is not present in population databases (gnomAD no frequency). This variant has not been reported in the literature in individuals affected with KIF7-related conditions. ClinVar contains an entry for this variant (Variation ID: 1463784). Algorithms developed to predict the effect of missense changes on protein structure and function are either unavailable or do not agree on the potential impact of this missense change (SIFT: "Deleterious"; PolyPhen-2: "Probably Damaging"; Align-GVGD: "Class C0"). In summary, the available evidence is currently insufficient to determine the role of this variant in disease. Therefore, it has been classified as a Variant of Uncertain Significance.